The following is an entry in ClinVar:

ClinVar aggregate classification (germline): Conflicting classifications of pathogenicity. Review status: criteria provided, conflicting classifications (1 of 4 stars). 11 submissions from 11 submitters: Uncertain significance (1); Benign (4); Likely benign (3). 3 of the submissions do not count toward it. Last evaluated 2026-01-26.

Conditions:
Inborn genetic diseases. Identifiers: MedGen C0950123, MeSH D030342.
COG1-related disorder. Also called: COG1-related condition.
COG1 congenital disorder of glycosylation (CDG2G). Also called: CONGENITAL DISORDER OF GLYCOSYLATION, TYPE IIg; CDG IIg; CDGII/COG1 CEREBROCOSTOMANDIBULAR-LIKE SYNDROME. Identifiers: Orphanet 263508, MedGen C2931011, MONDO:0012637, OMIM 611209.

Allele frequency attached by ClinVar (database versions not stated): ESP Exome Variant Server 0.00592; 1000 Genomes Project 30x 0.00281; 1000 Genomes Project 0.00300; TOPMed 0.00506.
gnomAD v4.1: 13,152 of 1,614,104 alleles (0.81%); highest among the groups gnomAD compares: Non-Finnish European, 0.95%; 67 homozygotes.

Submissions (11):

Ambry Genetics
Classification: Benign for Inborn genetic diseases. Last evaluated: 2026-01-26. Review status: criteria provided, single submitter. Criteria: Ambry Variant Classification Scheme 2023. Collection method: clinical testing. Allele origin: germline.

Labcorp Genetics (formerly Invitae), Labcorp
Classification: Likely benign for COG1 congenital disorder of glycosylation. Last evaluated: 2026-01-23. Review status: criteria provided, single submitter. Criteria: Invitae Variant Classification Sherloc (09022015). Collection method: clinical testing. Allele origin: germline.

Mayo Clinic Laboratories, Mayo Clinic
Classification: Benign. Last evaluated: 2025-08-27. Review status: criteria provided, single submitter. Criteria: ACMG Guidelines, 2015. Collection method: clinical testing. Allele origin: germline. Observed: 1 variant allele.
Comment: BA1, BP4_moderate

CeGaT Center for Human Genetics Tuebingen
Classification: Likely benign. Last evaluated: 2025-06-01. Review status: criteria provided, single submitter. Criteria: CeGaT Center For Human Genetics Tuebingen Variant Classification Criteria Version 2. Collection method: clinical testing. Allele origin: germline. Affected: yes. Observed: 9 variant alleles.
Comment: COG1: BP4, BS2

Illumina Laboratory Services, Illumina
Classification: Uncertain significance for COG1 congenital disorder of glycosylation. Last evaluated: 2017-04-27. Review status: criteria provided, single submitter. Criteria: ICSL Variant Classification Criteria 13 December 2019. Collection method: clinical testing. Allele origin: germline.
Comment: This variant was observed as part of a predisposition screen in an ostensibly healthy population. A literature search was performed for the gene, cDNA change, and amino acid change (where applicable). Publications were found based on this search. However, the evidence from the literature, in combination with allele frequency data from public databases where available, was not sufficient to rule this variant in or out of causing disease. Therefore, this variant is classified as a variant of unknown significance.

Center for Pediatric Genomic Medicine, Children's Mercy Hospital and Clinics
Classification: Likely benign. Last evaluated: 2017-01-09. Review status: criteria provided, single submitter. Criteria: ACMG Guidelines, 2015. Collection method: clinical testing. Allele origin: germline.
ClinVar note: Converted during submission from Likely Benign to Likely benign.

Eurofins Ntd Llc (ga)
Classification: Benign. Last evaluated: 2016-10-11. Review status: criteria provided, single submitter. Criteria: EGL Classification Definitions 2015. Collection method: clinical testing. Allele origin: germline. Observed: 3 variant alleles, 3 heterozygotes.

Genomic Diagnostic Laboratory, Division of Genomic Diagnostics, Children's Hospital of Philadelphia
Classification: Benign. Last evaluated: 2015-07-10. Review status: criteria provided, single submitter. Criteria: DGD Variant Analysis Guidelines. Collection method: clinical testing. Allele origin: unknown.

PreventionGenetics, part of Exact Sciences
Classification: Likely benign for COG1-related condition. Last evaluated: 2019-07-09. Review status: no assertion criteria provided. Collection method: clinical testing. Allele origin: germline. Not counted in ClinVar's aggregate classification.
Comment: This variant is classified as likely benign based on ACMG/AMP sequence variant interpretation guidelines (Richards et al. 2015 PMID: 25741868, with internal and published modifications).

Diagnostic Laboratory, Department of Genetics, University Medical Center Groningen
Classification: Likely benign. Review status: no assertion criteria provided. Collection method: clinical testing. Allele origin: germline. Affected: yes. Study: VKGL Data-share Consensus. Not counted in ClinVar's aggregate classification.

Laboratory of Diagnostic Genome Analysis, Leiden University Medical Center (LUMC)
Classification: Likely benign. Review status: no assertion criteria provided. Collection method: clinical testing. Allele origin: germline. Affected: yes. Study: VKGL Data-share Consensus. Not counted in ClinVar's aggregate classification.

Literature cited by the submitters: PubMed 23757202 (cited by Illumina Laboratory Services, Illumina); PubMed 27112773 (cited by Illumina Laboratory Services, Illumina).

NM_018714.3(COG1):c.903G>C (p.Gln301His)

Gene: COG1 (component of oligomeric golgi complex 1; plus strand). Cytogenetic location: 17q25.1.
Variant type: single nucleotide variant.
Coding change: c.903G>C on transcript NM_018714.3 (MANE Select); coding-DNA position 903, G replaced by C.
Protein change: p.Gln301His; replaces glutamine 301 with histidine.
Molecular consequence: missense variant.
Genome position (GRCh38, 1-based): chr17:73,197,386, G>C. VCF-style: chr17-73197386-G-C. GRCh37 (hg19) VCF-style: chr17-71193525-G-C.
Other names: short protein forms Q301H.
Identifiers: ClinVar variation 95920 (VCV000095920.56), dbSNP rs117208167, ClinGen allele CA223540.